The following is an entry in ClinVar:

ClinVar aggregate classification (germline): Uncertain significance (1 of 4 stars; one submission).

gnomAD v4.1: 11 of 1,614,016 alleles (0.00068%); highest among the groups gnomAD compares: Non-Finnish European, 0.00093%; no homozygotes.

Submission:

Labcorp Genetics (formerly Invitae), Labcorp
Classification: Uncertain significance. Last evaluated: 2025-12-24. Review status: criteria provided, single submitter. Criteria: Invitae Variant Classification Sherloc (09022015). Collection method: clinical testing. Allele origin: germline.
Comment: This sequence change affects codon 69 of the TBX19 mRNA. It is a 'silent' change, meaning that it does not change the encoded amino acid sequence of the TBX19 protein. This variant is not present in population databases (gnomAD no frequency). This variant has not been reported in the literature in individuals affected with TBX19-related conditions. Algorithms developed to predict the effect of sequence changes on RNA splicing suggest that this variant may create or strengthen a splice site. In summary, the available evidence is currently insufficient to determine the role of this variant in disease. Therefore, it has been classified as a Variant of Uncertain Significance.

NM_005149.3(TBX19):c.205C>A (p.Arg69=)

Gene: TBX19 (T-box transcription factor 19; plus strand). Cytogenetic location: 1q24.2.
Variant type: single nucleotide variant.
Coding change: c.205C>A on transcript NM_005149.3 (MANE Select); coding-DNA position 205, C replaced by A.
Protein change: p.Arg69=; no amino-acid change (arginine 69 retained).
Molecular consequence: synonymous variant.
Genome position (GRCh38, 1-based): chr1:168,291,161, C>A. VCF-style: chr1-168291161-C-A. GRCh37 (hg19) VCF-style: chr1-168260399-C-A.
Identifiers: ClinVar variation 4754206 (VCV004754206.1).
Genomic context (GRCh38, chr1:168,291,161, plus strand): 5'-ACAAGGTGAGAGTTCCTCTAACGTCCCTCCTGTGGCTAAGTTTCTGCCTTTCCTTTTAGA[C>A]GGATGTTTCCAGTCCTAAAGATTAGTGTCACAGGGTTGGACCCCAATGCCATGTACTCCC-3'
Protein context (NP_005140.1, residues 59-79): NEMIVTKNGR[Arg69=]MFPVLKISVT